The following is an entry in ClinVar:

ClinVar aggregate classification (germline): Uncertain significance (1 of 4 stars; one submission).

Conditions:
Tibial muscular dystrophy (TMD). Also called: UDD MYOPATHY; Udd Distal Myopathy – Tibial Muscular Dystrophy; Tibial muscular dystrophy, tardive. Identifiers: Orphanet 609, MedGen C1838244, MONDO:0010870, OMIM 600334.

Allele frequency attached by ClinVar (database versions not stated): gnomAD exomes below 0.00001; ExAC 0.00001.
gnomAD v4.1: 2 of 1,592,662 alleles (0.00013%); highest among the groups gnomAD compares: African/African-American, 0.0014%; no homozygotes.

Submission:

Centre for Mendelian Genomics, University Medical Centre Ljubljana
Classification: Uncertain significance for Tibial muscular dystrophy. Last evaluated: 2018-10-19. Review status: criteria provided, single submitter. Criteria: ACMG Guidelines, 2015. Collection method: clinical testing. Allele origin: unknown. Affected: yes.
Comment: This variant was classified as: Uncertain significance. The available evidence on this variant's pathogenicity is insufficient or conflicting. The following ACMG criteria were applied in classifying this variant: BP1.

NM_001267550.2(TTN):c.96887C>T (p.Thr32296Ile)

Genes: TTN (titin; minus strand), TTN-AS1 (TTN antisense RNA 1; plus strand), LOC126806421 (CDK7 strongly-dependent group 2 enhancer GRCh37_chr2:179407630-179408829; plus strand). Cytogenetic location: 2q31.2.
Variant type: single nucleotide variant.
Coding change: c.96887C>T on transcript NM_001267550.2 (MANE Select); coding-DNA position 96887, C replaced by T.
Protein change: p.Thr32296Ile; replaces threonine 32296 with isoleucine.
Molecular consequence: missense variant.
Genome position (GRCh38, 1-based): chr2:178,543,086, G>A on the plus strand (C>T on the coding strand, the complement: TTN is on the minus strand). VCF-style: chr2-178543086-G-A. GRCh37 (hg19) VCF-style: chr2-179407813-G-A.
Other names: c.91964C>T, p.Thr30655Ile (NM_001256850.1); c.69692C>T, p.Thr23231Ile (NM_003319.4); c.89183C>T, p.Thr29728Ile (NM_133378.4); c.70067C>T, p.Thr23356Ile (NM_133432.3); c.70268C>T, p.Thr23423Ile (NM_133437.4); short protein forms T29728I, T23423I, T23356I, T23231I, T30655I, T32296I.
Identifiers: ClinVar variation 931872 (VCV000931872.3), dbSNP rs773279450, ClinGen allele CA1986694.